The following is an entry in ClinVar:

NM_006517.5(SLC16A2):c.97T>C (p.Ser33Pro)

Gene: SLC16A2 (solute carrier family 16 member 2; plus strand). Cytogenetic location: Xq13.2.
Variant type: single nucleotide variant.
Coding change: c.97T>C on transcript NM_006517.5 (MANE Select); coding-DNA position 97, T replaced by C.
Protein change: p.Ser33Pro; replaces serine 33 with proline.
Molecular consequence: missense variant.
Genome position (GRCh38, 1-based): chrX:74,421,734, T>C. VCF-style: chrX-74421734-T-C. GRCh37 (hg19) VCF-style: chrX-73641569-T-C.
Other names: p.Ser33Pro; short protein forms S33P.
Identifiers: ClinVar variation 21462 (VCV000021462.40), dbSNP rs6647476, ClinGen allele CA148522.

ClinVar aggregate classification (germline): Benign/Likely benign. Review status: criteria provided, multiple submitters, no conflicts (2 of 4 stars). 15 submissions from 15 submitters: Benign (11); Likely benign (1). 3 of the submissions do not count toward it. Last evaluated 2026-02-04.

Conditions:
Inborn genetic diseases. Identifiers: MedGen C0950123, MeSH D030342.
Hereditary spastic paraplegia. Also called: Familial spastic paraparesis. Identifiers: Orphanet 685, MedGen C0037773, MONDO:0019064. Disease mechanism: loss of function.
Allan-Herndon-Dudley syndrome (AHDS). Also called: T3 RESISTANCE; TRIIODOTHYRONINE RESISTANCE; ALLAN-HERNDON SYNDROME; Passos-Bueno syndrome; MENTAL RETARDATION AND MUSCULAR ATROPHY. Identifiers: Orphanet 59, MedGen C0795889, MONDO:0010354, OMIM 300523.
Spastic paraplegia. Identifiers: MedGen C0037772, HP:0001258.

Allele frequency attached by ClinVar (database versions not stated): TOPMed 0.51213; gnomAD 0.54054; ExAC 0.56100; 1000 Genomes Project 30x 0.64891; 1000 Genomes Project 0.66384; gnomAD exomes 0.44743 and 0.48990; ESP Exome Variant Server 0.46152.

Submissions (15):

Labcorp Genetics (formerly Invitae), Labcorp
Classification: Benign for Spastic paraplegia. Last evaluated: 2026-02-04. Review status: criteria provided, single submitter. Criteria: Invitae Variant Classification Sherloc (09022015). Collection method: clinical testing. Allele origin: germline.

Women's Health and Genetics/Laboratory Corporation of America, LabCorp
Classification: Likely benign. Last evaluated: 2025-01-27. Review status: criteria provided, single submitter. Criteria: LabCorp Variant Classification Summary - May 2015. Collection method: clinical testing. Allele origin: germline.

Blueprint Genetics
Classification: Benign. Last evaluated: 2024-11-28. Review status: criteria provided, single submitter. Criteria: ACMG Guidelines, 2015. Collection method: clinical testing. Allele origin: germline.

Genome-Nilou Lab
Classification: Benign for Allan-Herndon-Dudley syndrome. Last evaluated: 2021-07-15. Review status: criteria provided, single submitter. Criteria: ACMG Guidelines, 2015. Collection method: clinical testing. Allele origin: germline. Affected: no.

Genome Diagnostics Laboratory, The Hospital for Sick Children
Classification: Benign for Hereditary spastic paraplegia. Last evaluated: 2016-12-12. Review status: criteria provided, single submitter. Criteria: ACMG Guidelines, 2015. Collection method: clinical testing. Allele origin: germline. Affected: yes.

Mayo Clinic Laboratories, Mayo Clinic
Classification: Benign. Last evaluated: 2016-03-02. Review status: criteria provided, single submitter. Criteria: ACMG Guidelines, 2015. Collection method: clinical testing. Allele origin: germline. Observed: 798 variant alleles.

GeneDx
Classification: Benign. Last evaluated: 2016-02-01. Review status: criteria provided, single submitter. Criteria: GeneDx Variant Classification (06012015). Collection method: clinical testing. Allele origin: germline. Affected: yes.
Comment: This variant is considered likely benign or benign based on one or more of the following criteria: it is a conservative change, it occurs at a poorly conserved position in the protein, it is predicted to be benign by multiple in silico algorithms, and/or has population frequency not consistent with disease.

Ambry Genetics
Classification: Benign for Inborn genetic diseases. Last evaluated: 2015-06-22. Review status: criteria provided, single submitter. Criteria: Ambry Variant Classification Scheme 2023. Collection method: clinical testing. Allele origin: germline.

Eurofins Ntd Llc (ga)
Classification: Benign. Last evaluated: 2014-07-30. Review status: criteria provided, single submitter. Criteria: EGL Classification Definitions 2015. Collection method: clinical testing. Allele origin: germline. Observed: 77 variant alleles, 3 heterozygotes, 6 homozygotes, 68 hemizygotes.

Genetic Services Laboratory, University of Chicago
Classification: Benign. Last evaluated: 2013-02-08. Review status: criteria provided, single submitter. Criteria: ACMG Guidelines, 2007. Collection method: clinical testing. Allele origin: germline. Inheritance: X-linked inheritance.

Breakthrough Genomics
Classification: Benign. Review status: criteria provided, single submitter. Criteria: ACMG Guidelines, 2015. Collection method: not provided. Allele origin: germline. Inheritance: X-linked inheritance. Affected: yes.

PreventionGenetics, part of Exact Sciences
Classification: Benign. Review status: criteria provided, single submitter. Criteria: ACMG Guidelines, 2015. Collection method: clinical testing. Allele origin: germline.

Clinical Genetics DNA and cytogenetics Diagnostics Lab, Erasmus MC, Erasmus Medical Center
Classification: Benign. Review status: no assertion criteria provided. Collection method: clinical testing. Allele origin: germline. Affected: yes. Study: VKGL Data-share Consensus. Not counted in ClinVar's aggregate classification.

Clinical Genetics, Academic Medical Center
Classification: Benign. Review status: no assertion criteria provided. Collection method: clinical testing. Allele origin: germline. Affected: yes. Study: VKGL Data-share Consensus. Not counted in ClinVar's aggregate classification.

GeneReviews
No classification provided. Condition: Allan-Herndon-Dudley syndrome. Review status: no classification provided. Collection method: literature only. Allele origin: unknown. Not counted in ClinVar's aggregate classification.

Literature cited by the submitters: PubMed 20301789 (cited by GeneReviews); NCBI Bookshelf NBK26373 (cited by GeneReviews).